The following is an entry in ClinVar:

NM_152564.5(VPS13B):c.672C>T (p.Tyr224=)

Gene: VPS13B (vacuolar protein sorting 13 homolog B; plus strand). Cytogenetic location: 8q22.2.
Variant type: single nucleotide variant.
Coding change: c.672C>T on transcript NM_152564.5 (MANE Select); coding-DNA position 672, C replaced by T.
Protein change: p.Tyr224=; no amino-acid change (tyrosine 224 retained).
Molecular consequence: synonymous variant. On other transcripts: non-coding transcript variant (1).
Genome position (GRCh38, 1-based): chr8:99,111,189, C>T. VCF-style: chr8-99111189-C-T. GRCh37 (hg19) VCF-style: chr8-100123417-C-T.
Other names: p.Tyr224=; c.672C>T, p.Tyr224= (NM_015243.3, NM_017890.5, NM_181661.3).
Identifiers: ClinVar variation 729504 (VCV000729504.12), dbSNP rs760171272, ClinGen allele CA4822444.

ClinVar aggregate classification (germline): Likely benign. Review status: criteria provided, multiple submitters, no conflicts (2 of 4 stars). 3 submissions from 3 submitters: Likely benign (2). 1 of the submissions does not count toward it. Last evaluated 2025-10-24.

Conditions:
Cohen syndrome (COH1). Also called: PEPPER SYNDROME; Cutis verticis gyrata, retinitis pigmentosa, and sensorineural deafness. Identifiers: Orphanet 193, MedGen C0265223, MONDO:0008999, OMIM 216550.

Allele frequency attached by ClinVar (database versions not stated): gnomAD exomes below 0.00001 and 0.00002; TOPMed below 0.00001; gnomAD 0.00002 and 0.00003; ExAC 0.00003.
gnomAD v4.1: 10 of 1,599,214 alleles (0.00063%); highest among the groups gnomAD compares: East Asian, 0.018%; no homozygotes.

Submissions (3):

Mayo Clinic Laboratories, Mayo Clinic
Classification: Likely benign. Last evaluated: 2025-10-24. Review status: criteria provided, single submitter. Criteria: ACMG Guidelines, 2015. Collection method: clinical testing. Allele origin: germline. Observed: 1 variant allele.
Comment: BP1, BP4, BP7

Labcorp Genetics (formerly Invitae), Labcorp
Classification: Likely benign for Cohen syndrome. Last evaluated: 2025-07-03. Review status: criteria provided, single submitter. Criteria: Invitae Variant Classification Sherloc (09022015). Collection method: clinical testing. Allele origin: germline.

Natera, Inc.
Classification: Uncertain significance for Cohen syndrome. Last evaluated: 2020-01-24. Review status: no assertion criteria provided. Collection method: clinical testing. Allele origin: germline. Not counted in ClinVar's aggregate classification.